The following is an entry in ClinVar:

NM_000092.5(COL4A4):c.3874G>A (p.Gly1292Ser)

Gene: COL4A4 (collagen type IV alpha 4 chain; minus strand). Cytogenetic location: 2q36.3.
Variant type: single nucleotide variant.
Coding change: c.3874G>A on transcript NM_000092.5 (MANE Select); coding-DNA position 3874, G replaced by A.
Protein change: p.Gly1292Ser; replaces glycine 1292 with serine.
Molecular consequence: missense variant.
Genome position (GRCh38, 1-based): chr2:227,030,542, C>T on the plus strand (G>A on the coding strand, the complement: COL4A4 is on the minus strand). VCF-style: chr2-227030542-C-T. GRCh37 (hg19) VCF-style: chr2-227895258-C-T.
Other names: short protein forms G1292S.
Identifiers: ClinVar variation 4293585 (VCV004293585.1).
Genomic context (GRCh38, chr2:227,030,542, plus strand): 5'-TGTATCCTGGAGGGCCTGGTGGGCCAGGGGGACCTGGTGGCCCTGGTAGACCACAGTCAC[C>T]TGGCTCCCCTCTCAGAAGGTCAACACTCCCAGGGAGGCCTGGAGGCCCAGGTGCTCCTGA-3'
Protein context (NP_000083.3, residues 1282-1302): GSVDLLRGEP[Gly1292Ser]DCGLPGPPGP

ClinVar aggregate classification (germline): Uncertain significance (1 of 4 stars; one submission).

Conditions:
Autosomal recessive Alport syndrome (ATS2). Also called: ALPORT SYNDROME 2, AUTOSOMAL RECESSIVE; COL4A3-Related Nephropathy; Alport syndrome type 2; COL4A4 Alport Syndrome and Thin Basement Membrane Nephropathy. Identifiers: Orphanet 63, Orphanet 88919, MedGen C4746745, MONDO:0008762, OMIM 203780.

Submission:

3billion
Classification: Uncertain significance for Autosomal recessive Alport syndrome. Last evaluated: 2024-12-02. Review status: criteria provided, single submitter. Criteria: ACMG Guidelines, 2015. Collection method: clinical testing. Allele origin: germline. Affected: yes.
Comment: The variant is not observed in the gnomAD v4.1.0 dataset. Predicted Consequence/Location: Missense variant In silico tool predictions suggest damaging effect of the variant on gene or gene product [REVEL: 0.88 (>=0.6, sensitivity 0.68 and specificity 0.92); 3Cnet: 0.91 (>=0.6, sensitivity 0.72 and precision 0.9)]. A different missense change at the same codon (p.Gly1292Asp) has been reported to be associated with COL4A4 related disorder (ClinVar ID: VCV000599122). However the evidence of pathogenicity is insufficient at this time. Therefore, this variant is classified as VUS according to the recommendation of ACMG/AMP guideline.